The following is an entry in ClinVar:

NM_007294.4(BRCA1):c.3346G>A (p.Val1116Ile)

Genes: BRCA1 (BRCA1 DNA repair associated; minus strand), LOC126862571 (BRD4-independent group 4 enhancer GRCh37_chr17:41243136-41244335; plus strand). Cytogenetic location: 17q21.31.
Variant type: single nucleotide variant.
Coding change: c.3346G>A on transcript NM_007294.4 (MANE Select); coding-DNA position 3346, G replaced by A.
Protein change: p.Val1116Ile; replaces valine 1116 with isoleucine.
Molecular consequence: missense variant. On other transcripts: intron variant (137).
Genome position (GRCh38, 1-based): chr17:43,092,185, C>T on the plus strand (G>A on the coding strand, the complement: BRCA1 is on the minus strand). VCF-style: chr17-43092185-C-T. GRCh37 (hg19) VCF-style: chr17-41244202-C-T.
Other names: c.3223G>A, p.Val1075Ile (NM_001407676.1, NM_001407677.1, NM_001407678.1 and 19 more transcripts); c.3220G>A, p.Val1074Ile (NM_001407685.1, NM_001407687.1, NM_001407689.1 and 11 more transcripts); c.3346G>A, p.Val1116Ile (NM_001407684.1, NM_001407581.1, NM_001407582.1 and 30 more transcripts); c.3133G>A, p.Val1045Ile (NM_001407571.1, NM_001407853.1, NM_001407894.1 and 9 more transcripts); c.3343G>A, p.Val1115Ile (NM_001407587.1, NM_001407590.1, NM_001407591.1 and 22 more transcripts); c.3337G>A, p.Val1113Ile (NM_001407646.1, NM_001407647.1); c.3268G>A, p.Val1090Ile (NM_001407653.1, NM_001407654.1, NM_001407655.1 and 4 more transcripts); c.3265G>A, p.Val1089Ile (NM_001407659.1, NM_001407660.1, NM_001407661.1 and 1 more transcripts); and 41 more; short protein forms V1027I, V1045I, V1074I, V1090I, V1004I, V1049I, V1068I, V1069I.
Identifiers: ClinVar variation 1730463 (VCV001730463.7), dbSNP rs55909400, ClinGen allele CA10595283.

ClinVar aggregate classification (germline): Conflicting classifications of pathogenicity. Review status: criteria provided, conflicting classifications (1 of 4 stars). 3 submissions from 3 submitters: Uncertain significance (2); Likely benign (1). Last evaluated 2024-05-31.

Conditions:
Hereditary cancer-predisposing syndrome. Also called: Neoplastic Syndromes, Hereditary; Tumor predisposition; Hereditary Cancer Syndrome; Hereditary neoplastic syndrome. Identifiers: Orphanet 140162, MedGen C0027672, MeSH D009386, MONDO:0015356.
Hereditary breast ovarian cancer syndrome. Also called: Hereditary breast and ovarian cancer syndrome; Hereditary breast and ovarian cancer; Breast and ovarian cancer; Hereditary breast and ovarian cancer syndrome (HBOC); Hereditary breast and/or ovarian cancer syndrome; BRCA1- and BRCA2-Associated Hereditary Breast and Ovarian Cancer. Identifiers: Orphanet 145, MedGen C0677776, MeSH D061325, MONDO:0003582. Disease mechanism: loss of function.

Submissions (3):

Labcorp Genetics (formerly Invitae), Labcorp
Classification: Uncertain significance for Hereditary breast ovarian cancer syndrome. Last evaluated: 2024-05-31. Review status: criteria provided, single submitter. Criteria: Invitae Variant Classification Sherloc (09022015). Collection method: clinical testing. Allele origin: germline.
Comment: This sequence change replaces valine, which is neutral and non-polar, with isoleucine, which is neutral and non-polar, at codon 1116 of the BRCA1 protein (p.Val1116Ile). This variant is not present in population databases (gnomAD no frequency). This variant has not been reported in the literature in individuals affected with BRCA1-related conditions. ClinVar contains an entry for this variant (Variation ID: 1730463). Advanced modeling of protein sequence and biophysical properties (such as structural, functional, and spatial information, amino acid conservation, physicochemical variation, residue mobility, and thermodynamic stability) performed at Invitae indicates that this missense variant is not expected to disrupt BRCA1 protein function with a negative predictive value of 95%. In summary, the available evidence is currently insufficient to determine the role of this variant in disease. Therefore, it has been classified as a Variant of Uncertain Significance.

University of Washington Department of Laboratory Medicine, University of Washington
Classification: Likely benign for Hereditary cancer-predisposing syndrome. Last evaluated: 2023-03-23. Review status: criteria provided, single submitter. Criteria: Dines et al. (Genet Med. 2020). Collection method: curation. Allele origin: germline.
Comment: Missense variant in a coldspot region where missense variants are very unlikely to be pathogenic (PMID:31911673).

BRCA1 coldspot (exon 11 using historical exon numbering). Reclassification based on statistical prior probability

Ambry Genetics
Classification: Uncertain significance for Hereditary cancer-predisposing syndrome. Last evaluated: 2022-10-29. Review status: criteria provided, single submitter. Criteria: Ambry Variant Classification Scheme 2023. Collection method: clinical testing. Allele origin: germline.
Comment: The p.V1116I variant (also known as c.3346G>A), located in coding exon 9 of the BRCA1 gene, results from a G to A substitution at nucleotide position 3346. The valine at codon 1116 is replaced by isoleucine, an amino acid with highly similar properties. This amino acid position is not well conserved in available vertebrate species. In addition, this alteration is predicted to be tolerated by in silico analysis. Since supporting evidence is limited at this time, the clinical significance of this alteration remains unclear.